The following is an entry in ClinVar:

ClinVar aggregate classification (germline): Conflicting classifications of pathogenicity. Review status: criteria provided, conflicting classifications (1 of 4 stars). 9 submissions from 9 submitters: Uncertain significance (5); Likely benign (1). 3 of the submissions do not count toward it. Last evaluated 2026-01-24.

Conditions:
CDH23-related disorder. Also called: CDH23-related disorders; CDH23-related condition.
Usher syndrome type 1 (USH1). Also called: RETINITIS PIGMENTOSA AND CONGENITAL DEAFNESS. Identifiers: Orphanet 231169, Orphanet 886, MedGen C1568247, MONDO:0010168, OMIM 276900.

Allele frequency attached by ClinVar (database versions not stated): gnomAD 0.00011; gnomAD exomes 0.00012 and 0.00022; TOPMed 0.00014; ExAC 0.00021; ESP Exome Variant Server 0.00025.
gnomAD v4.1: 184 of 1,613,816 alleles (0.011%); highest among the groups gnomAD compares: Admixed American, 0.06%; no homozygotes.

Submissions (9):

Labcorp Genetics (formerly Invitae), Labcorp
Classification: Likely benign. Last evaluated: 2026-01-24. Review status: criteria provided, single submitter. Criteria: Invitae Variant Classification Sherloc (09022015). Collection method: clinical testing. Allele origin: germline.

GeneDx
Classification: Uncertain significance. Last evaluated: 2025-12-09. Review status: criteria provided, single submitter. Criteria: GeneDx Variant Classification Process June 2021. Collection method: clinical testing. Allele origin: germline. Affected: yes.
Comment: In silico analysis supports that this missense variant has a deleterious effect on protein structure/function; Has not been previously published as pathogenic or benign to our knowledge; In silico analysis supports a deleterious effect on splicing

PreventionGenetics, part of Exact Sciences
Classification: Uncertain significance for CDH23-related condition. Last evaluated: 2025-10-08. Review status: criteria provided, single submitter. Criteria: ACMG Guidelines, 2015. Collection method: clinical testing. Allele origin: germline.
Comment: The CDH23 c.7394G>A variant is predicted to result in the amino acid substitution p.Arg2465Gln. To our knowledge, this variant has not been reported in the literature. This variant is reported in 0.082% of alleles in individuals of Latino descent in gnomAD. An alternative variant at the same codon (p.Arg2465Trp) was observed along with a second CDH23 variant in two individuals from the same family affected by hearing loss (Astuto et al. 2002. PubMed ID: 12075507). At this time, the clinical significance of this variant is uncertain due to the absence of conclusive functional and genetic evidence.

CeGaT Center for Human Genetics Tuebingen
Classification: Uncertain significance. Last evaluated: 2024-06-01. Review status: criteria provided, single submitter. Criteria: CeGaT Center For Human Genetics Tuebingen Variant Classification Criteria Version 2. Collection method: clinical testing. Allele origin: germline. Affected: yes. Observed: 1 variant allele.
Comment: CDH23: PM2, PP3

Blueprint Genetics
Classification: Uncertain significance. Last evaluated: 2024-02-15. Review status: criteria provided, single submitter. Criteria: ACMG Guidelines, 2015. Collection method: clinical testing. Allele origin: germline.

Athena Diagnostics
Classification: Uncertain significance. Last evaluated: 2019-09-30. Review status: criteria provided, single submitter. Criteria: Athena Diagnostics Criteria. Collection method: clinical testing. Allele origin: unknown.

Natera, Inc.
Classification: Uncertain significance for Usher syndrome type 1. Last evaluated: 2020-01-20. Review status: no assertion criteria provided. Collection method: clinical testing. Allele origin: germline. Not counted in ClinVar's aggregate classification.

Clinical Genetics DNA and cytogenetics Diagnostics Lab, Erasmus MC, Erasmus Medical Center
Classification: Uncertain significance. Review status: no assertion criteria provided. Collection method: clinical testing. Allele origin: germline. Affected: yes. Study: VKGL Data-share Consensus. Not counted in ClinVar's aggregate classification.

Joint Genome Diagnostic Labs from Nijmegen and Maastricht, Radboudumc and MUMC+
Classification: Uncertain significance. Review status: no assertion criteria provided. Collection method: clinical testing. Allele origin: germline. Affected: yes. Study: VKGL Data-share Consensus. Not counted in ClinVar's aggregate classification.

NM_022124.6(CDH23):c.7394G>A (p.Arg2465Gln)

Gene: CDH23 (cadherin related 23; plus strand). Cytogenetic location: 10q22.1.
Variant type: single nucleotide variant.
Coding change: c.7394G>A on transcript NM_022124.6 (MANE Select); coding-DNA position 7394, G replaced by A.
Protein change: p.Arg2465Gln; replaces arginine 2465 with glutamine.
Molecular consequence: missense variant.
Genome position (GRCh38, 1-based): chr10:71,800,667, G>A. VCF-style: chr10-71800667-G-A. GRCh37 (hg19) VCF-style: chr10-73560424-G-A.
Other names: c.674G>A, p.Arg225Gln (NM_001171933.1, NM_001171934.1); short protein forms R225Q, R2465Q.
Identifiers: ClinVar variation 994854 (VCV000994854.31), dbSNP rs199903227, ClinGen allele CA5546335.